The following is an entry in ClinVar:

ClinVar aggregate classification (germline): Uncertain significance (1 of 4 stars; one submission).

Conditions:
Inborn genetic diseases. Identifiers: MedGen C0950123, MeSH D030342.

Submission:

Ambry Genetics
Classification: Uncertain significance for Inborn genetic diseases. Last evaluated: 2026-07-05. Review status: criteria provided, single submitter. Criteria: Ambry Variant Classification Scheme 2023. Collection method: clinical testing. Allele origin: germline.
Comment: The p.V782F variant (also known as c.2344G>T), located in coding exon 21 of the ANKRD26 gene, results from a G to T substitution at nucleotide position 2344. The valine at codon 782 is replaced by phenylalanine, an amino acid with highly similar properties. This amino acid position is conserved. In addition, this alteration is predicted to be tolerated by in silico analysis. Based on the available evidence, the clinical significance of this variant remains unclear.

NM_014915.3(ANKRD26):c.2344G>T (p.Val782Phe)

Gene: ANKRD26 (ankyrin repeat domain 26; minus strand). Cytogenetic location: 10p12.1.
Variant type: single nucleotide variant.
Coding change: c.2344G>T on transcript NM_014915.3 (MANE Select); coding-DNA position 2344, G replaced by T.
Protein change: p.Val782Phe; replaces valine 782 with phenylalanine.
Molecular consequence: missense variant.
Genome position (GRCh38, 1-based): chr10:27,039,996, C>A on the plus strand (G>T on the coding strand, the complement: ANKRD26 is on the minus strand). VCF-style: chr10-27039996-C-A. GRCh37 (hg19) VCF-style: chr10-27328925-C-A.
Other names: c.2341G>T, p.Val781Phe (NM_001256053.2); short protein forms V781F, V782F.
Identifiers: ClinVar variation 5022968 (VCV005022968.1).